The following is an entry in ClinVar:

ClinVar aggregate classification (germline): Uncertain significance (1 of 4 stars; one submission).

Submission:

Mayo Clinic Laboratories, Mayo Clinic
Classification: Uncertain significance. Last evaluated: 2022-07-19. Review status: criteria provided, single submitter. Criteria: ACMG Guidelines, 2015. Collection method: clinical testing. Allele origin: germline. Observed: 1 variant allele.
Comment: PM4

NM_001267550.2(TTN):c.51998_52020delinsGGACG (p.Gln17333_Leu17340delinsArgThr)

Genes: TTN (titin; minus strand), TTN-AS1 (TTN antisense RNA 1; plus strand). Cytogenetic location: 2q31.2.
Variant type: Indel.
Coding change: c.51998_52020delinsGGACG on transcript NM_001267550.2 (MANE Select); coding-DNA positions 51998 to 52020, AGCTACGCGTCCGAGATTCTCTC replaced by GGACG.
Protein change: p.Gln17333_Leu17340delinsArgThr.
Molecular consequence: inframe indel.
Genome position (GRCh38, 1-based): chr2:178,609,290-178,609,312, GAGAGAATCTCGGACGCGTAGCT replaced by CGTCC on the plus strand (AGCTACGCGTCCGAGATTCTCTC replaced by GGACG on the coding strand, the reverse complement: TTN is on the minus strand). VCF-style: chr2-178609290-GAGAGAATCTCGGACGCGTAGCT-CGTCC. GRCh37 (hg19) VCF-style: chr2-179474017-GAGAGAATCTCGGACGCGTAGCT-CGTCC.
Other names: p.Gln15692_Leu15699delinsArgThr; c.47075_47097delinsGGACG, p.Gln15692_Leu15699delinsArgThr (NM_001256850.1); c.24803_24825delinsGGACG, p.Gln8268_Leu8275delinsArgThr (NM_003319.4); c.44294_44316delinsGGACG, p.Gln14765_Leu14772delinsArgThr (NM_133378.4); c.25178_25200delinsGGACG, p.Gln8393_Leu8400delinsArgThr (NM_133432.3); c.25379_25401delinsGGACG, p.Gln8460_Leu8467delinsArgThr (NM_133437.4).
Identifiers: ClinVar variation 2682775 (VCV002682775.1), dbSNP rs2470382108, ClinGen allele CA2697551409.
Genomic context (GRCh38, chr2:178,609,290, plus strand): 5'-AGCTTTTGCAATACCGTGGTCATTTTCAACTTTGATCATATACAGACCATGGTCAGGTCG[GAGAGAATCTCGGACGCGTAGCT>CGTCC]GAGATTCTCCCTTTTTGCTGTTGTCAATACTCAAACGCTGTGTCAGAGGCAGGACAAATG-3'